The following is an entry in ClinVar:

ClinVar aggregate classification (germline): Uncertain significance. Review status: criteria provided, multiple submitters, no conflicts (2 of 4 stars). 2 submissions from 2 submitters: Uncertain significance (2). Last evaluated 2026-04-14.

Conditions:
Progressive familial intrahepatic cholestasis type 2. Identifiers: Orphanet 79304, MedGen C3489789, MONDO:0011156, OMIM 601847.
Familial intrahepatic cholestasis. Identifiers: Orphanet 284385, MedGen CN296401, MONDO:0017290.

Submissions (2):

Genomenon, Inc
Classification: Uncertain significance for Familial intrahepatic cholestasis. Last evaluated: 2026-04-14. Review status: criteria provided, single submitter. Criteria: Genomenon Sequence Variant Interpretation Standards - Updated. Collection method: curation. Allele origin: germline. Affected: yes.
Comment: ABCB11 p.Val1112Phe (c.3334G>T) is a missense variant that changes the amino acid at residue 1112 from Valine to Phenylalanine. This variant has been observed in at least one proband with an ABCB11-related disorder (PMID:25771912). It is absent or not present at a significant frequency in gnomAD. In silico models predict that this variant is possibly or probably damaging. In conclusion, we classify ABCB11 p.Val1112Phe (c.3334G>T) as a variant of uncertain significance.

3billion
Classification: Uncertain significance for Progressive familial intrahepatic cholestasis type 2. Last evaluated: 2024-06-19. Review status: criteria provided, single submitter. Criteria: ACMG Guidelines, 2015. Collection method: clinical testing. Allele origin: germline. Affected: yes.
Comment: The variant is not observed in the gnomAD v4.0.0 dataset. Predicted Consequence/Location: Missense variant In silico tool predictions suggest damaging effect of the variant on gene or gene product [REVEL: 0.94 (>=0.6, sensitivity 0.68 and specificity 0.92); 3Cnet: 0.86 (>=0.6, sensitivity 0.72 and precision 0.9)]. Therefore, this variant is classified as VUS according to the recommendation of ACMG/AMP guideline.

Literature cited by the submitters: PubMed 25771912 (cited by Genomenon, Inc).

NM_003742.4(ABCB11):c.3334G>T (p.Val1112Phe)

Gene: ABCB11 (ATP binding cassette subfamily B member 11; minus strand). Cytogenetic location: 2q31.1.
Variant type: single nucleotide variant.
Coding change: c.3334G>T on transcript NM_003742.4 (MANE Select); coding-DNA position 3334, G replaced by T.
Protein change: p.Val1112Phe; replaces valine 1112 with phenylalanine.
Molecular consequence: missense variant.
Genome position (GRCh38, 1-based): chr2:168,930,742, C>A on the plus strand (G>T on the coding strand, the complement: ABCB11 is on the minus strand). VCF-style: chr2-168930742-C-A. GRCh37 (hg19) VCF-style: chr2-169787252-C-A.
Other names: short protein forms V1112F.
Identifiers: ClinVar variation 4293122 (VCV004293122.2).